The following is an entry in ClinVar:

ClinVar aggregate classification (germline): Uncertain significance (1 of 4 stars; one submission).

Conditions:
Inborn genetic diseases. Identifiers: MedGen C0950123, MeSH D030342.

Submission:

Ambry Genetics
Classification: Uncertain significance for Inborn genetic diseases. Last evaluated: 2025-03-28. Review status: criteria provided, single submitter. Criteria: Ambry Variant Classification Scheme 2023. Collection method: clinical testing. Allele origin: germline.
Comment: The p.L873R variant (also known as c.2618T>G), located in coding exon 1 of the SAMD9L gene, results from a T to G substitution at nucleotide position 2618. The leucine at codon 873 is replaced by arginine, an amino acid with dissimilar properties. This amino acid position is conserved. In addition, the in silico prediction for this alteration is inconclusive. Based on the available evidence, the clinical significance of this variant remains unclear.

NM_152703.5(SAMD9L):c.2618T>G (p.Leu873Arg)

Gene: SAMD9L (sterile alpha motif domain containing 9 like; minus strand). Cytogenetic location: 7q21.2.
Variant type: single nucleotide variant.
Coding change: c.2618T>G on transcript NM_152703.5 (MANE Select); coding-DNA position 2618, T replaced by G.
Protein change: p.Leu873Arg; replaces leucine 873 with arginine.
Molecular consequence: missense variant.
Genome position (GRCh38, 1-based): chr7:93,133,354, A>C on the plus strand (T>G on the coding strand, the complement: SAMD9L is on the minus strand). VCF-style: chr7-93133354-A-C. GRCh37 (hg19) VCF-style: chr7-92762667-A-C.
Other names: c.2618T>G, p.Leu873Arg (NM_001303496.3, NM_001303497.3, NM_001303498.3 and 5 more transcripts); short protein forms L873R.
Identifiers: ClinVar variation 3949778 (VCV003949778.1).